The following is an entry in ClinVar:

ClinVar aggregate classification (germline): Uncertain significance (1 of 4 stars; one submission).

Conditions:
Mucopolysaccharidosis type 1. Also called: IDUA deficiency; MPS I; Mucopolysaccharidosis Type I. Identifiers: Orphanet 579, MedGen C0023786, MONDO:0001586.

Submission:

Labcorp Genetics (formerly Invitae), Labcorp
Classification: Uncertain significance for Mucopolysaccharidosis type 1. Last evaluated: 2024-08-06. Review status: criteria provided, single submitter. Criteria: Invitae Variant Classification Sherloc (09022015). Collection method: clinical testing. Allele origin: germline.
Comment: This sequence change replaces valine, which is neutral and non-polar, with alanine, which is neutral and non-polar, at codon 418 of the IDUA protein (p.Val418Ala). This variant is not present in population databases (gnomAD no frequency). This missense change has been observed in individual(s) with clinical features of mucopolysaccharidosis type I (Invitae). In at least one individual the data is consistent with being in trans (on the opposite chromosome) from a pathogenic variant. Advanced modeling of protein sequence and biophysical properties (such as structural, functional, and spatial information, amino acid conservation, physicochemical variation, residue mobility, and thermodynamic stability) has been performed at Invitae for this missense variant, however the output from this modeling did not meet the statistical confidence thresholds required to predict the impact of this variant on IDUA protein function. In summary, the available evidence is currently insufficient to determine the role of this variant in disease. Therefore, it has been classified as a Variant of Uncertain Significance.

NM_000203.5(IDUA):c.1253T>C (p.Val418Ala)

Gene: IDUA (alpha-L-iduronidase; plus strand). Cytogenetic location: 4p16.3.
Variant type: single nucleotide variant.
Coding change: c.1253T>C on transcript NM_000203.5 (MANE Select); coding-DNA position 1253, T replaced by C.
Protein change: p.Val418Ala; replaces valine 418 with alanine.
Molecular consequence: missense variant. On other transcripts: non-coding transcript variant (1).
Genome position (GRCh38, 1-based): chr4:1,002,795, T>C. VCF-style: chr4-1002795-T-C. GRCh37 (hg19) VCF-style: chr4-996583-T-C.
Other names: c.857T>C, p.Val286Ala (NM_001363576.1); short protein forms V286A, V418A.
Identifiers: ClinVar variation 3677531 (VCV003677531.2).